The following is an entry in ClinVar:

NM_000535.7(PMS2):c.2116A>G (p.Lys706Glu)

Gene: PMS2 (PMS1 homolog 2, mismatch repair system component; minus strand). Cytogenetic location: 7p22.1.
Variant type: single nucleotide variant.
Coding change: c.2116A>G on transcript NM_000535.7 (MANE Select); coding-DNA position 2116, A replaced by G.
Protein change: p.Lys706Glu; replaces lysine 706 with glutamic acid.
Molecular consequence: missense variant. On other transcripts: non-coding transcript variant (1), intron variant (4).
Genome position (GRCh38, 1-based): chr7:5,982,882, T>C on the plus strand (A>G on the coding strand, the complement: PMS2 is on the minus strand). VCF-style: chr7-5982882-T-C. GRCh37 (hg19) VCF-style: chr7-6022513-T-C.
Other names: c.1807A>G, p.Lys603Glu (NM_001322015.2, NM_001406875.1, NM_001406877.1 and 5 more transcripts); c.2302A>G, p.Lys768Glu (NM_001406866.1); c.2140A>G, p.Lys714Glu (NM_001406868.1); c.2008A>G, p.Lys670Glu (NM_001406869.1); c.1960A>G, p.Lys654Glu (NM_001406870.1, NM_001322006.2); c.2116A>G, p.Lys706Glu (NM_001406871.1, NM_001322014.2); c.1918A>G, p.Lys640Glu (NM_001406873.1); c.1948A>G, p.Lys650Glu (NM_001406874.1); and 16 more; short protein forms K305E, K584E, K598E, K603E, K768E, K519E, K594E, K600E.
Identifiers: ClinVar variation 4140491 (VCV004140491.1).

ClinVar aggregate classification (germline): Uncertain significance (1 of 4 stars; one submission).

Conditions:
Hereditary cancer-predisposing syndrome. Also called: Hereditary neoplastic syndrome; Neoplastic Syndromes, Hereditary; Tumor predisposition; Hereditary Cancer Syndrome. Identifiers: Orphanet 140162, MedGen C0027672, MeSH D009386, MONDO:0015356.

Submission:

Ambry Genetics
Classification: Uncertain significance for Hereditary cancer-predisposing syndrome. Last evaluated: 2025-06-15. Review status: criteria provided, single submitter. Criteria: Ambry Variant Classification Scheme 2023. Collection method: clinical testing. Allele origin: germline.
Comment: The p.K706E variant (also known as c.2116A>G), located in coding exon 12 of the PMS2 gene, results from an A to G substitution at nucleotide position 2116. The lysine at codon 706 is replaced by glutamic acid, an amino acid with similar properties. This amino acid position is conserved. In addition, this alteration is predicted to be deleterious by in silico analysis. Based on the available evidence, the clinical significance of this variant remains unclear.